The following is an entry in ClinVar:

ClinVar aggregate classification (germline): Uncertain significance (1 of 4 stars; one submission).

Submission:

Labcorp Genetics (formerly Invitae), Labcorp
Classification: Uncertain significance. Last evaluated: 2021-08-17. Review status: criteria provided, single submitter. Criteria: Invitae Variant Classification Sherloc (09022015). Collection method: clinical testing. Allele origin: germline.
Comment: This sequence change replaces glycine with tryptophan at codon 756 of the ACAN protein (p.Gly756Trp). The glycine residue is highly conserved and there is a large physicochemical difference between glycine and tryptophan. This variant also falls at the last nucleotide of exon 11, which is part of the consensus splice site for this exon. This variant is not present in population databases (ExAC no frequency). This variant has not been reported in the literature in individuals affected with ACAN-related conditions. Algorithms developed to predict the effect of missense changes on protein structure and function are either unavailable or do not agree on the potential impact of this missense change (SIFT: "Deleterious"; PolyPhen-2: "Benign"; Align-GVGD: "Class C65"). Variants that disrupt the consensus splice site are a relatively common cause of aberrant splicing (PMID: 17576681, 9536098). Algorithms developed to predict the effect of sequence changes on RNA splicing suggest that this variant may disrupt the consensus splice site. In summary, the available evidence is currently insufficient to determine the role of this variant in disease. Therefore, it has been classified as a Variant of Uncertain Significance.

Literature cited by the submitters: PubMed 17576681; PubMed 9536098.

NM_001369268.1(ACAN):c.2266G>T (p.Gly756Trp)

Gene: ACAN (aggrecan; plus strand). Cytogenetic location: 15q26.1.
Variant type: single nucleotide variant.
Coding change: c.2266G>T on transcript NM_001369268.1 (MANE Select); coding-DNA position 2266, G replaced by T.
Protein change: p.Gly756Trp; replaces glycine 756 with tryptophan.
Molecular consequence: missense variant.
Genome position (GRCh38, 1-based): chr15:88,852,033, G>T. VCF-style: chr15-88852033-G-T. GRCh37 (hg19) VCF-style: chr15-89395264-G-T.
Other names: c.2266G>T, p.Gly756Trp (NM_001135.4, NM_013227.4); short protein forms G756W.
Identifiers: ClinVar variation 1410473 (VCV001410473.6), dbSNP rs2141596294, ClinGen allele CA393714490.